The following is an entry in ClinVar:

ClinVar aggregate classification (germline): Uncertain significance. Review status: criteria provided, multiple submitters, no conflicts (2 of 4 stars). 2 submissions from 2 submitters: Uncertain significance (2). Last evaluated 2020-12-02.

Conditions:
Inborn genetic diseases. Identifiers: MedGen C0950123, MeSH D030342.

Allele frequency attached by ClinVar (database versions not stated): gnomAD exomes below 0.00001; ExAC 0.00001; gnomAD 0.00001; 1000 Genomes Project 30x 0.00016; 1000 Genomes Project 0.00020.
gnomAD v4.1: 4 of 1,614,092 alleles (0.00025%); highest among the groups gnomAD compares: East Asian, 0.0022%; no homozygotes.

Submissions (2):

Ambry Genetics
Classification: Uncertain significance for Inborn genetic diseases. Last evaluated: 2020-12-02. Review status: criteria provided, single submitter. Criteria: Ambry Variant Classification Scheme 2023. Collection method: clinical testing. Allele origin: germline.
Comment: The p.P89S variant (also known as c.265C>T), located in coding exon 3 of the PRX gene, results from a C to T substitution at nucleotide position 265. The proline at codon 89 is replaced by serine, an amino acid with similar properties. This amino acid position is highly conserved in available vertebrate species. In addition, the in silico prediction for this alteration is inconclusive. Since supporting evidence is limited at this time, the clinical significance of this alteration remains unclear.

GeneDx
Classification: Uncertain significance. Last evaluated: 2019-08-29. Review status: criteria provided, single submitter. Criteria: GeneDx Variant Classification Process June 2021. Collection method: clinical testing. Allele origin: germline. Affected: yes.
Comment: Not observed at a significant frequency in large population cohorts (Lek et al., 2016); In silico analysis, which includes protein predictors and evolutionary conservation, supports a deleterious effect; Has not been previously published as pathogenic or benign to our knowledge

NM_181882.3(PRX):c.265C>T (p.Pro89Ser)

Gene: PRX (periaxin; minus strand). Cytogenetic location: 19q13.2.
Variant type: single nucleotide variant.
Coding change: c.265C>T on transcript NM_181882.3 (MANE Select); coding-DNA position 265, C replaced by T.
Protein change: p.Pro89Ser; replaces proline 89 with serine.
Molecular consequence: missense variant.
Genome position (GRCh38, 1-based): chr19:40,398,736, G>A on the plus strand (C>T on the coding strand, the complement: PRX is on the minus strand). VCF-style: chr19-40398736-G-A. GRCh37 (hg19) VCF-style: chr19-40904643-G-A.
Other names: c.265C>T, p.Pro89Ser (NM_020956.2); short protein forms P89S.
Identifiers: ClinVar variation 1310221 (VCV001310221.4), dbSNP rs550049072, ClinGen allele CA9444519.